The following is an entry in ClinVar:

ClinVar aggregate classification (germline): Likely benign (0 of 4 stars; one submission).

Conditions:
LTBP3-related disorder. Also called: LTBP3-related condition.

Submission:

PreventionGenetics, part of Exact Sciences
Classification: Likely benign for LTBP3-related condition. Last evaluated: 2020-10-21. Review status: no assertion criteria provided. Collection method: clinical testing. Allele origin: germline.
Comment: This variant is classified as likely benign based on ACMG/AMP sequence variant interpretation guidelines (Richards et al. 2015 PMID: 25741868, with internal and published modifications).

NM_001130144.3(LTBP3):c.3760+7C>G

Gene: LTBP3 (latent transforming growth factor beta binding protein 3; minus strand). Cytogenetic location: 11q13.1.
Variant type: single nucleotide variant.
Coding change: c.3760+7C>G on transcript NM_001130144.3 (MANE Select); 7 bases into the intron after coding-DNA position 3760, C replaced by G.
Molecular consequence: intron variant.
Genome position (GRCh38, 1-based): chr11:65,539,321, G>C on the plus strand (C>G on the coding strand, the complement: LTBP3 is on the minus strand). VCF-style: chr11-65539321-G-C. GRCh37 (hg19) VCF-style: chr11-65306792-G-C.
Other names: c.3268+7C>G (NM_001164266.1); c.3619+7C>G (NM_021070.4).
Identifiers: ClinVar variation 3039692 (VCV003039692.2), dbSNP rs1444589558, ClinGen allele CA938915404.